The following is an entry in ClinVar:

ClinVar aggregate classification (germline): Uncertain significance. Review status: criteria provided, multiple submitters, no conflicts (2 of 4 stars). 9 submissions from 5 submitters: Uncertain significance (9). Last evaluated 2025-10-04.

Conditions:
Inborn genetic diseases. Identifiers: MedGen C0950123, MeSH D030342.
Epilepsy, idiopathic generalized, susceptibility to, 12 (EIG12). Identifiers: MedGen C3553859, MONDO:0013919, OMIM 614847.
Childhood onset GLUT1 deficiency syndrome 2. Also called: GLUT1 deficiency syndrome 2; PxMD-SLC2A1; Exertion-induced paroxysmal dyskinesia; PAROXYSMAL EXERCISE-INDUCED DYSKINESIA WITH OR WITHOUT EPILEPSY AND/OR HEMOLYTIC ANEMIA; PAROXYSMAL EXERTION-INDUCED DYSTONIA WITH OR WITHOUT EPILEPSY AND/OR HEMOLYTIC ANEMIA; PED WITH OR WITHOUT EPILEPSY AND/OR HEMOLYTIC ANEMIA. Identifiers: Orphanet 98811, MedGen C1842534, MONDO:0012805, OMIM 612126.
Encephalopathy due to GLUT1 deficiency. Also called: GLUT1 deficiency syndrome 1, infantile onset, severe; GLUCOSE TRANSPORT DEFECT, BLOOD-BRAIN BARRIER; Classic Glucose Transporter Type 1 Deficiency Syndrome; De Vivo disease; GLUT1 deficiency syndrome 1; Glucose transporter protein syndrome. Identifiers: Orphanet 71277, MedGen C4551966, MONDO:0011724, OMIM 606777.
Hereditary cryohydrocytosis with reduced stomatin. Also called: GLUT1 DEFICIENCY SYNDROME WITH PSEUDOHYPERKALEMIA AND HEMOLYSIS; Stomatin-deficient cryohydrocytosis with neurologic defects. Identifiers: Orphanet 168577, MedGen C1837206, MONDO:0012143, OMIM 608885.
Dystonia 9 (DYT9). Also called: CHOREOATHETOSIS, KINESIGENIC, WITH EPISODIC ATAXIA AND SPASTICITY. Identifiers: Orphanet 53583, MedGen C1832855, MONDO:0010983, OMIM 601042.
GLUT1 deficiency syndrome 1, autosomal recessive. Identifiers: MedGen C3149117.

Allele frequency attached by ClinVar (database versions not stated): TOPMed 0.00001.
gnomAD v4.1: 10 of 1,614,084 alleles (0.00062%); highest among the groups gnomAD compares: African/African-American, 0.0053%; no homozygotes.

Submissions (9):

GeneDx
Classification: Uncertain significance. Last evaluated: 2025-10-04. Review status: criteria provided, single submitter. Criteria: GeneDx Variant Classification Process June 2021. Collection method: clinical testing. Allele origin: germline. Affected: yes.
Comment: Not observed at significant frequency in large population cohorts (gnomAD); In silico analysis suggests that this missense variant does not alter protein structure/function; Has not been previously published as pathogenic or benign to our knowledge; This variant is associated with the following publications: (PMID: 27149842)

Labcorp Genetics (formerly Invitae), Labcorp
Classification: Uncertain significance for GLUT1 deficiency syndrome 1, autosomal recessive. Last evaluated: 2024-08-20. Review status: criteria provided, single submitter. Criteria: Invitae Variant Classification Sherloc (09022015). Collection method: clinical testing. Allele origin: germline.
Comment: This sequence change replaces isoleucine, which is neutral and non-polar, with methionine, which is neutral and non-polar, at codon 315 of the SLC2A1 protein (p.Ile315Met). This variant is not present in population databases (gnomAD no frequency). This variant has not been reported in the literature in individuals affected with SLC2A1-related conditions. ClinVar contains an entry for this variant (Variation ID: 207200). Invitae Evidence Modeling incorporating data from in vitro experimental studies (Invitae) indicates that this missense variant is not expected to disrupt SLC2A1 function with a negative predictive value of 80%. In summary, the available evidence is currently insufficient to determine the role of this variant in disease. Therefore, it has been classified as a Variant of Uncertain Significance.

Women's Health and Genetics/Laboratory Corporation of America, LabCorp
Classification: Uncertain significance. Last evaluated: 2023-10-19. Review status: criteria provided, single submitter. Criteria: LabCorp Variant Classification Summary - May 2015. Collection method: clinical testing. Allele origin: germline.
Comment: Variant summary: SLC2A1 c.945C>G (p.Ile315Met) results in a conservative amino acid change located in the Major facilitator superfamily domain (IPR020846) of the encoded protein sequence. Three of five in-silico tools predict a benign effect of the variant on protein function. The variant was absent in 251196 control chromosomes. The available data on variant occurrences in the general population are insufficient to allow any conclusion about variant significance. To our knowledge, no occurrence of c.945C>G in individuals affected with GLUT1 Deficiency Syndrome 1 and no experimental evidence demonstrating its impact on protein function have been reported. Three submitters have cited clinical-significance assessments for this variant to ClinVar after 2014. All submitters classified the variant as uncertain significance. Based on the evidence outlined above, the variant was classified as uncertain significance.

Genome-Nilou Lab
Classification: Uncertain significance for Epilepsy, idiopathic generalized, susceptibility to, 12. Last evaluated: 2023-04-11. Review status: criteria provided, single submitter. Criteria: ACMG Guidelines, 2015. Collection method: clinical testing. Allele origin: germline. Affected: no.

Genome-Nilou Lab
Classification: Uncertain significance for Dystonia 9. Last evaluated: 2023-04-11. Review status: criteria provided, single submitter. Criteria: ACMG Guidelines, 2015. Collection method: clinical testing. Allele origin: germline. Affected: no.

Genome-Nilou Lab
Classification: Uncertain significance for Encephalopathy due to GLUT1 deficiency. Last evaluated: 2023-04-11. Review status: criteria provided, single submitter. Criteria: ACMG Guidelines, 2015. Collection method: clinical testing. Allele origin: germline. Affected: no.

Genome-Nilou Lab
Classification: Uncertain significance for Childhood onset GLUT1 deficiency syndrome 2. Last evaluated: 2023-04-11. Review status: criteria provided, single submitter. Criteria: ACMG Guidelines, 2015. Collection method: clinical testing. Allele origin: germline. Affected: no.

Genome-Nilou Lab
Classification: Uncertain significance for Hereditary cryohydrocytosis with reduced stomatin. Last evaluated: 2023-04-11. Review status: criteria provided, single submitter. Criteria: ACMG Guidelines, 2015. Collection method: clinical testing. Allele origin: germline. Affected: no.

Ambry Genetics
Classification: Uncertain significance for Inborn genetic diseases. Last evaluated: 2017-12-20. Review status: criteria provided, single submitter. Criteria: Ambry Variant Classification Scheme 2023. Collection method: clinical testing. Allele origin: germline.
Comment: The p.I315M variant (also known as c.945C>G), located in coding exon 7 of the SLC2A1 gene, results from a C to G substitution at nucleotide position 945. The isoleucine at codon 315 is replaced by methionine, an amino acid with highly similar properties. This amino acid position is not well conserved in available vertebrate species. In addition, this alteration is predicted to be tolerated by in silico analysis. Since supporting evidence is limited at this time, the clinical significance of this alteration remains unclear.

NM_006516.4(SLC2A1):c.945C>G (p.Ile315Met)

Gene: SLC2A1 (solute carrier family 2 member 1; minus strand). Cytogenetic location: 1p34.2.
Variant type: single nucleotide variant.
Coding change: c.945C>G on transcript NM_006516.4 (MANE Select); coding-DNA position 945, C replaced by G.
Protein change: p.Ile315Met; replaces isoleucine 315 with methionine.
Molecular consequence: missense variant.
Genome position (GRCh38, 1-based): chr1:42,929,237, G>C on the plus strand (C>G on the coding strand, the complement: SLC2A1 is on the minus strand). VCF-style: chr1-42929237-G-C. GRCh37 (hg19) VCF-style: chr1-43394908-G-C.
Other names: p.I315M:ATC>ATG; short protein forms I315M.
Identifiers: ClinVar variation 207200 (VCV000207200.15), dbSNP rs780528770, ClinGen allele CA318446.